The following is an entry in ClinVar:

NM_000138.5(FBN1):c.4159T>G (p.Tyr1387Asp)

Gene: FBN1 (fibrillin 1; minus strand). Cytogenetic location: 15q21.1.
Variant type: single nucleotide variant.
Coding change: c.4159T>G on transcript NM_000138.5 (MANE Select); coding-DNA position 4159, T replaced by G.
Protein change: p.Tyr1387Asp; replaces tyrosine 1387 with aspartic acid.
Molecular consequence: missense variant.
Genome position (GRCh38, 1-based): chr15:48,474,306, A>C on the plus strand (T>G on the coding strand, the complement: FBN1 is on the minus strand). VCF-style: chr15-48474306-A-C. GRCh37 (hg19) VCF-style: chr15-48766503-A-C.
Other names: short protein forms Y1387D.
Identifiers: ClinVar variation 439718 (VCV000439718.17), dbSNP rs1555397656, ClinGen allele CA392320183.

ClinVar aggregate classification (germline): Uncertain significance. Review status: criteria provided, multiple submitters, no conflicts (2 of 4 stars). 3 submissions from 3 submitters: Uncertain significance (3). Last evaluated 2019-05-20.

Conditions:
Marfan syndrome (MFS). Also called: MARFAN SYNDROME, TYPE I; FBN1-Related Marfan Syndrome; Marfan syndrome type 1; Marfan's syndrome; Marfan syndrome, classic. Identifiers: Orphanet 284963, Orphanet 558, MedGen C0024796, MONDO:0007947, OMIM 154700.
Familial thoracic aortic aneurysm and aortic dissection (TAAD). Also called: Thoracic aortic aneurysms and dissections. Identifiers: Orphanet 91387, MedGen C4707243, MONDO:0019625.

Submissions (3):

GeneDx
Classification: Uncertain significance. Last evaluated: 2019-05-20. Review status: criteria provided, single submitter. Criteria: GeneDx Variant Classification Process June 2021. Collection method: clinical testing. Allele origin: germline. Affected: yes.
Comment: Has not been previously published as pathogenic or benign to our knowledge; In silico analysis, which includes protein predictors and evolutionary conservation, supports a deleterious effect; Not observed in large population cohorts (Lek et al., 2016); Reported in ClinVar as a variant of uncertain significance, but additional evidence is not available (ClinVar Variant ID 439718; Landrum et al., 2016)

Labcorp Genetics (formerly Invitae), Labcorp
Classification: Uncertain significance for Marfan syndrome; Familial thoracic aortic aneurysm and aortic dissection. Last evaluated: 2018-09-24. Review status: criteria provided, single submitter. Criteria: Invitae Variant Classification Sherloc (09022015). Collection method: clinical testing. Allele origin: germline.
Comment: This sequence change replaces tyrosine with aspartic acid at codon 1387 of the FBN1 protein (p.Tyr1387Asp). The tyrosine residue is highly conserved and there is a large physicochemical difference between tyrosine and aspartic acid. In summary, the available evidence is currently insufficient to determine the role of this variant in disease. Therefore, it has been classified as a Variant of Uncertain Significance. Algorithms developed to predict the effect of missense changes on protein structure and function (SIFT, PolyPhen-2, Align-GVGD) all suggest that this variant is likely to be disruptive, but these predictions have not been confirmed by published functional studies and their clinical significance is uncertain. This variant has not been reported in the literature in individuals with FBN1-related disease. ClinVar contains an entry for this variant (Variation ID: 439718). This variant is not present in population databases (ExAC no frequency).

ARUP Laboratories, Molecular Genetics and Genomics, ARUP Laboratories
Classification: Uncertain significance. Last evaluated: 2017-02-13. Review status: criteria provided, single submitter. Criteria: ARUP Molecular Germline Variant Investigation Process. Collection method: clinical testing. Allele origin: germline.